The following is an entry in ClinVar:

NM_001127208.3(TET2):c.167C>G (p.Ser56Cys)

Genes: TET2 (tet methylcytosine dioxygenase 2; plus strand), TET2-AS1 (TET2 antisense RNA 1; minus strand). Cytogenetic location: 4q24.
Variant type: single nucleotide variant.
Coding change: c.167C>G on transcript NM_001127208.3 (MANE Select); coding-DNA position 167, C replaced by G.
Protein change: p.Ser56Cys; replaces serine 56 with cysteine.
Molecular consequence: missense variant.
Genome position (GRCh38, 1-based): chr4:105,234,109, C>G. VCF-style: chr4-105234109-C-G. GRCh37 (hg19) VCF-style: chr4-106155266-C-G.
Other names: c.167C>G, p.Ser56Cys (NM_017628.4); short protein forms S56C.
Identifiers: ClinVar variation 3455342 (VCV003455342.1).

ClinVar aggregate classification (germline): Uncertain significance (1 of 4 stars; one submission).

Submission:

Ambry Genetics
Classification: Uncertain significance. Last evaluated: 2024-11-27. Review status: criteria provided, single submitter. Criteria: Ambry Variant Classification Scheme 2023. Collection method: clinical testing. Allele origin: germline.
Comment: The p.S56C variant (also known as c.167C>G), located in coding exon 1 of the TET2 gene, results from a C to G substitution at nucleotide position 167. The serine at codon 56 is replaced by cysteine, an amino acid with dissimilar properties. This amino acid position is conserved. In addition, this alteration is predicted to be tolerated by in silico analysis. Based on the available evidence, the clinical significance of this variant remains unclear.